The following is an entry in ClinVar:

NM_152424.4(AMER1):c.2962C>A (p.Pro988Thr)

Gene: AMER1 (APC membrane recruitment protein 1; minus strand). Cytogenetic location: Xq11.2.
Variant type: single nucleotide variant.
Coding change: c.2962C>A on transcript NM_152424.4 (MANE Select); coding-DNA position 2962, C replaced by A.
Protein change: p.Pro988Thr; replaces proline 988 with threonine.
Molecular consequence: missense variant.
Genome position (GRCh38, 1-based): chrX:64,190,325, G>T on the plus strand (C>A on the coding strand, the complement: AMER1 is on the minus strand). VCF-style: chrX-64190325-G-T. GRCh37 (hg19) VCF-style: chrX-63410205-G-T.
Other names: short protein forms P988T.
Identifiers: ClinVar variation 2728105 (VCV002728105.3), dbSNP rs1202984802, ClinGen allele CA413301802.

ClinVar aggregate classification (germline): Uncertain significance (1 of 4 stars; one submission).

Submission:

Labcorp Genetics (formerly Invitae), Labcorp
Classification: Uncertain significance. Last evaluated: 2023-03-26. Review status: criteria provided, single submitter. Criteria: Invitae Variant Classification Sherloc (09022015). Collection method: clinical testing. Allele origin: germline.
Comment: This variant has not been reported in the literature in individuals affected with AMER1-related conditions. In summary, the available evidence is currently insufficient to determine the role of this variant in disease. Therefore, it has been classified as a Variant of Uncertain Significance. An algorithm developed to predict the effect of missense changes on protein structure and function (PolyPhen-2) suggests that this variant is likely to be tolerated. This variant is present in population databases (no rsID available, gnomAD no frequency). This sequence change replaces proline, which is neutral and non-polar, with threonine, which is neutral and polar, at codon 988 of the AMER1 protein (p.Pro988Thr).